The following is an entry in ClinVar:

NM_006429.4(CCT7):c.1185C>G (p.Ile395Met)

Gene: CCT7 (chaperonin containing TCP1 subunit 7; plus strand). Cytogenetic location: 2p13.2.
Variant type: single nucleotide variant.
Coding change: c.1185C>G on transcript NM_006429.4 (MANE Select); coding-DNA position 1185, C replaced by G.
Protein change: p.Ile395Met; replaces isoleucine 395 with methionine.
Molecular consequence: missense variant. On other transcripts: non-coding transcript variant (2).
Genome position (GRCh38, 1-based): chr2:73,250,420, C>G. VCF-style: chr2-73250420-C-G. GRCh37 (hg19) VCF-style: chr2-73477548-C-G.
Other names: c.573C>G, p.Ile191Met (NM_001009570.3); c.924C>G, p.Ile308Met (NM_001166284.2); c.1053C>G, p.Ile351Met (NM_001166285.2); short protein forms I191M, I308M, I351M, I395M.
Identifiers: ClinVar variation 2672818 (VCV002672818.23), dbSNP rs757442165, ClinGen allele CA347259525.

ClinVar aggregate classification (germline): Uncertain significance (1 of 4 stars; one submission).

gnomAD v4.1: 9 of 1,614,020 alleles (0.00056%); highest among the groups gnomAD compares: Non-Finnish European, 0.00076%; no homozygotes.

Submission:

CeGaT Center for Human Genetics Tuebingen
Classification: Uncertain significance. Last evaluated: 2023-11-01. Review status: criteria provided, single submitter. Criteria: CeGaT Center For Human Genetics Tuebingen Variant Classification Criteria Version 2. Collection method: clinical testing. Allele origin: germline. Affected: yes. Observed: 1 variant allele.
Comment: CCT7: PM2, PP3